The following is an entry in ClinVar:

ClinVar aggregate classification (germline): Uncertain significance. Review status: criteria provided, multiple submitters, no conflicts (2 of 4 stars). 2 submissions from 2 submitters: Uncertain significance (2). Last evaluated 2024-09-05.

Allele frequency attached by ClinVar (database versions not stated): gnomAD 0.00001; TOPMed 0.00002; ExAC 0.00004.
gnomAD v4.1: 17 of 1,614,018 alleles (0.0011%); highest among the groups gnomAD compares: Admixed American, 0.013%; no homozygotes.

Submissions (2):

Blueprint Genetics
Classification: Uncertain significance. Last evaluated: 2024-09-05. Review status: criteria provided, single submitter. Criteria: ACMG Guidelines, 2015. Collection method: clinical testing. Allele origin: germline.

Labcorp Genetics (formerly Invitae), Labcorp
Classification: Uncertain significance. Last evaluated: 2022-05-24. Review status: criteria provided, single submitter. Criteria: Invitae Variant Classification Sherloc (09022015). Collection method: clinical testing. Allele origin: germline.
Comment: This sequence change replaces glycine, which is neutral and non-polar, with alanine, which is neutral and non-polar, at codon 1923 of the GPR179 protein (p.Gly1923Ala). This variant is present in population databases (rs759212145, gnomAD 0.02%). This variant has not been reported in the literature in individuals affected with GPR179-related conditions. Algorithms developed to predict the effect of missense changes on protein structure and function are either unavailable or do not agree on the potential impact of this missense change (SIFT: "Tolerated"; PolyPhen-2: "Possibly Damaging"; Align-GVGD: "Class C0"). In summary, the available evidence is currently insufficient to determine the role of this variant in disease. Therefore, it has been classified as a Variant of Uncertain Significance.

NM_001004334.4(GPR179):c.5768G>C (p.Gly1923Ala)

Gene: GPR179 (G protein-coupled receptor 179; minus strand). Cytogenetic location: 17q12.
Variant type: single nucleotide variant.
Coding change: c.5768G>C on transcript NM_001004334.4 (MANE Select); coding-DNA position 5768, G replaced by C.
Protein change: p.Gly1923Ala; replaces glycine 1923 with alanine.
Molecular consequence: missense variant.
Genome position (GRCh38, 1-based): chr17:38,327,801, C>G on the plus strand (G>C on the coding strand, the complement: GPR179 is on the minus strand). VCF-style: chr17-38327801-C-G. GRCh37 (hg19) VCF-style: chr17-36483684-C-G.
Other names: short protein forms G1923A.
Identifiers: ClinVar variation 1911123 (VCV001911123.3), dbSNP rs759212145, ClinGen allele CA290103345.
Genomic context (GRCh38, chr17:38,327,801, plus strand): 5'-GTGAATTCTTCTGTGTCTGCAGCTGGAGCTTTTTCTTGGGTTATGTGTTCTGGGAAGGAA[C>G]CTGTCTTTGGGTCTTGTCTCAGGTCCCCCTTCTCTGTTGCTTCCAAGGAATGTCCCTCTG-3'
Protein context (NP_001004334.3, residues 1913-1933): KGDLRQDPKT[Gly1923Ala]SFPEHITQEK